The following is an entry in ClinVar:

NM_031443.4(CCM2):c.164del (p.Pro55fs)

Gene: CCM2 (CCM2 scaffold protein; plus strand). Cytogenetic location: 7p13.
Variant type: Deletion.
Coding change: c.164del on transcript NM_031443.4 (MANE Select); coding-DNA position 164, one base deleted (C; older notation c.164delC).
Protein change: p.Pro55fs; shifts the reading frame from proline 55.
Molecular consequence: frameshift variant. On other transcripts: non-coding transcript variant (1), intron variant (2).
Genome position (GRCh38, 1-based): chr7:45,038,386, C deleted; the last of 2 consecutive C bases (chr7:45,038,385-45,038,386); deleting either gives the same sequence. VCF-style (leftmost placement, unchanged base first): chr7-45038384-GC-G. GRCh37 (hg19) VCF-style: chr7-45077983-GC-G.
Other names: c.227del, p.Pro76fs (NM_001029835.2); c.164del, p.Pro55fs (NM_001167935.2, NM_001363458.2); c.31-25532del (NM_001363459.2, NM_001167934.2); short protein forms P55fs, P76fs.
Identifiers: ClinVar variation 3777261 (VCV003777261.1).

ClinVar aggregate classification (germline): Likely pathogenic (1 of 4 stars; one submission).

Conditions:
Cerebral cavernous malformation (CCM). Also called: CAVERNOUS ANGIOMA, FAMILIAL; CAVERNOUS ANGIOMATOUS MALFORMATIONS; Cerebral cavernous hemangioma (type); Cerebral cavernous malformations; Cavernous Hemangioma of Brain; CEREBRAL CAPILLARY MALFORMATIONS. Identifiers: Orphanet 221061, MedGen C2919945, MONDO:0000820, OMIM 116860, HP:0033522.

Submission:

Clinical Genetics Laboratory, Skane University Hospital Lund
Classification: Likely pathogenic for Cerebral cavernous malformation. Last evaluated: 2025-04-09. Review status: criteria provided, single submitter. Criteria: ACMG Guidelines, 2015. Collection method: clinical testing. Allele origin: germline. Affected: yes.
Comment: PVS1 and PM2